The following is an entry in ClinVar:

NM_001267550.2(TTN):c.52607_52609del (p.Glu17536del)

Genes: TTN-AS1 (TTN antisense RNA 1; plus strand), TTN (titin; minus strand), LOC126806425 (BRD4-independent group 4 enhancer GRCh37_chr2:179471933-179473132; plus strand). Cytogenetic location: 2q31.2.
Variant type: Deletion.
Coding change: c.52607_52609del on transcript NM_001267550.2 (MANE Select); coding-DNA positions 52607 to 52609, 3 bases deleted (AAG; older notation c.52607_52609delAAG).
Protein change: p.Glu17536del; deletes glutamic acid 17536.
Molecular consequence: inframe deletion.
Genome position (GRCh38, 1-based): chr2:178,608,274-178,608,276, CTT deleted on the plus strand (AAG on the coding strand, the reverse complement: TTN is on the minus strand); deleting any 3 consecutive bases within chr2:178,608,274-178,608,278 gives the same sequence; the c. name uses the placement nearest the transcript's 3' end. VCF-style (leftmost placement, unchanged base first): chr2-178608273-CCTT-C. GRCh37 (hg19) VCF-style: chr2-179473000-CCTT-C.
Other names: c.47684_47686del, p.Glu15895del (NM_001256850.1); c.25412_25414del, p.Glu8471del (NM_003319.4); c.44903_44905del, p.Glu14968del (NM_133378.4); c.25787_25789del, p.Glu8596del (NM_133432.3); c.25988_25990del, p.Glu8663del (NM_133437.4); c.52607_52609delAAG (NM_001267550.2); c.25412_25414delAAG (NM_003319.4); short protein forms E17536del, E8471del, E15895del, E8596del, E14968del, E8663del.
Identifiers: ClinVar variation 535589 (VCV000535589.5), dbSNP rs755947249, ClinGen allele CA1993963.

ClinVar aggregate classification (germline): Uncertain significance. Review status: criteria provided, multiple submitters, no conflicts (2 of 4 stars). 2 submissions from 2 submitters: Uncertain significance (2). Last evaluated 2020-12-04.

Conditions:
Cardiovascular phenotype. Identifiers: MedGen CN230736.
Autosomal recessive limb-girdle muscular dystrophy type 2J (LGMDR10). Also called: Limb-girdle muscular dystrophy, type 2J; MUSCULAR DYSTROPHY, LIMB-GIRDLE, AUTOSOMAL RECESSIVE 10. Identifiers: Orphanet 140922, MedGen C1837342, MONDO:0012127, OMIM 608807.
Dilated cardiomyopathy 1G (CMD1G). Identifiers: Orphanet 154, MedGen C1858763, MONDO:0011400, OMIM 604145.

Submissions (2):

Ambry Genetics
Classification: Uncertain significance for Cardiovascular phenotype. Last evaluated: 2020-12-04. Review status: criteria provided, single submitter. Criteria: Ambry Variant Classification Scheme 2023. Collection method: clinical testing. Allele origin: germline.
Comment: The c.25412_25414delAAG variant (also known as p.E8471del) is located in coding exon 102 of the TTN gene. This variant results from an in-frame AAG deletion at nucleotide positions 25412 to 25414. This results in the in-frame deletion of a glutamic acid at codon 8471. This amino acid position is highly conserved in available vertebrate species. Since supporting evidence is limited at this time, the clinical significance of this alteration remains unclear.

Labcorp Genetics (formerly Invitae), Labcorp
Classification: Uncertain significance for Dilated cardiomyopathy 1G; Autosomal recessive limb-girdle muscular dystrophy type 2J. Last evaluated: 2017-12-20. Review status: criteria provided, single submitter. Criteria: Invitae Variant Classification Sherloc (09022015). Collection method: clinical testing. Allele origin: germline.